The following is an entry in ClinVar:

NM_006642.5(SDCCAG8):c.1488G>T (p.Leu496Phe)

Gene: SDCCAG8 (SHH signaling and ciliogenesis regulator SDCCAG8; plus strand). Cytogenetic location: 1q43.
Variant type: single nucleotide variant.
Coding change: c.1488G>T on transcript NM_006642.5 (MANE Select); coding-DNA position 1488, G replaced by T.
Protein change: p.Leu496Phe; replaces leucine 496 with phenylalanine.
Molecular consequence: missense variant.
Genome position (GRCh38, 1-based): chr1:243,378,735, G>T. VCF-style: chr1-243378735-G-T. GRCh37 (hg19) VCF-style: chr1-243542037-G-T.
Other names: c.585G>T, p.Leu195Phe (NM_001350246.2, NM_001350247.2, NM_001350251.2); c.1584G>T, p.Leu528Phe (NM_001350248.2); c.1194G>T, p.Leu398Phe (NM_001350249.2); c.1488G>T (NM_006642.3); short protein forms L398F, L528F, L195F, L496F.
Identifiers: ClinVar variation 1351940 (VCV001351940.9), dbSNP rs1432354431, ClinGen allele CA345477735.

ClinVar aggregate classification (germline): Uncertain significance. Review status: criteria provided, multiple submitters, no conflicts (2 of 4 stars). 4 submissions from 4 submitters: Uncertain significance (4). Last evaluated 2024-11-22.

Conditions:
Senior-Loken syndrome 7 (SLSN7). Identifiers: Orphanet 3156, MedGen C3150877, MONDO:0013326, OMIM 613615.
Bardet-Biedl syndrome 16 (BBS16). Identifiers: Orphanet 110, MedGen C3889474, MONDO:0014444, OMIM 615993.
Inborn genetic diseases. Identifiers: MedGen C0950123, MeSH D030342.

Allele frequency attached by ClinVar (database versions not stated): gnomAD 0.00001; gnomAD exomes 0.00001; TOPMed 0.00002.
gnomAD v4.1: 21 of 1,613,882 alleles (0.0013%); highest among the groups gnomAD compares: Non-Finnish European, 0.0016%; no homozygotes.

Submissions (4):

Blueprint Genetics
Classification: Uncertain significance. Last evaluated: 2024-11-22. Review status: criteria provided, single submitter. Criteria: ACMG Guidelines, 2015. Collection method: clinical testing. Allele origin: germline.

Labcorp Genetics (formerly Invitae), Labcorp
Classification: Uncertain significance for Bardet-Biedl syndrome 16; Senior-Loken syndrome 7. Last evaluated: 2022-07-25. Review status: criteria provided, single submitter. Criteria: Invitae Variant Classification Sherloc (09022015). Collection method: clinical testing. Allele origin: germline.
Comment: This variant has not been reported in the literature in individuals affected with SDCCAG8-related conditions. In summary, the available evidence is currently insufficient to determine the role of this variant in disease. Therefore, it has been classified as a Variant of Uncertain Significance. Algorithms developed to predict the effect of missense changes on protein structure and function are either unavailable or do not agree on the potential impact of this missense change (SIFT: "Tolerated"; PolyPhen-2: "Probably Damaging"; Align-GVGD: "Class C0"). ClinVar contains an entry for this variant (Variation ID: 1351940). This variant is present in population databases (no rsID available, gnomAD 0.003%). This sequence change replaces leucine, which is neutral and non-polar, with phenylalanine, which is neutral and non-polar, at codon 496 of the SDCCAG8 protein (p.Leu496Phe).

Ambry Genetics
Classification: Uncertain significance for Inborn genetic diseases. Last evaluated: 2022-06-24. Review status: criteria provided, single submitter. Criteria: Ambry Variant Classification Scheme 2023. Collection method: clinical testing. Allele origin: germline.

Fulgent Genetics
Classification: Uncertain significance for Senior-Loken syndrome 7; Bardet-Biedl syndrome 16. Last evaluated: 2021-12-30. Review status: criteria provided, single submitter. Criteria: ACMG Guidelines, 2015. Collection method: clinical testing. Allele origin: unknown.